The following is an entry in ClinVar:

ClinVar aggregate classification (germline): Uncertain significance (1 of 4 stars; one submission).

Conditions:
Fanconi anemia complementation group J. Also called: BRIP1-Related Fanconi Anemia. Identifiers: Orphanet 84, MedGen C1836860, MONDO:0012187, OMIM 609054.
Familial cancer of breast. Also called: BREAST CANCER, FAMILIAL; hereditary breast carcinoma; Hereditary breast cancer. Identifiers: Orphanet 227535, MedGen C0346153, MONDO:0016419, OMIM 114480. Disease mechanism: loss of function.

Submission:

Labcorp Genetics (formerly Invitae), Labcorp
Classification: Uncertain significance for Familial cancer of breast; Fanconi anemia complementation group J. Last evaluated: 2017-12-21. Review status: criteria provided, single submitter. Criteria: Invitae Variant Classification Sherloc (09022015). Collection method: clinical testing. Allele origin: germline.
Comment: In summary, the available evidence is currently insufficient to determine the role of this variant in disease. Therefore, it has been classified as a Variant of Uncertain Significance. Algorithms developed to predict the effect of missense changes on protein structure and function (SIFT, PolyPhen-2, Align-GVGD) all suggest that this variant is likely to be disruptive, but these predictions have not been confirmed by published functional studies and their clinical significance is uncertain. This variant has not been reported in the literature in individuals with BRIP1-related disease. This variant is not present in population databases (ExAC no frequency). This sequence change replaces aspartic acid with glycine at codon 770 of the BRIP1 protein (p.Asp770Gly). The aspartic acid residue is highly conserved and there is a moderate physicochemical difference between aspartic acid and glycine.

NM_032043.3(BRIP1):c.2309A>G (p.Asp770Gly)

Gene: BRIP1 (BRCA1 interacting DNA helicase 1; minus strand). Cytogenetic location: 17q23.2.
Variant type: single nucleotide variant.
Coding change: c.2309A>G on transcript NM_032043.3 (MANE Select); coding-DNA position 2309, A replaced by G.
Protein change: p.Asp770Gly; replaces aspartic acid 770 with glycine.
Molecular consequence: missense variant.
Genome position (GRCh38, 1-based): chr17:61,743,083, T>C on the plus strand (A>G on the coding strand, the complement: BRIP1 is on the minus strand). VCF-style: chr17-61743083-T-C. GRCh37 (hg19) VCF-style: chr17-59820444-T-C.
Other names: short protein forms D770G.
Identifiers: ClinVar variation 530313 (VCV000530313.9), dbSNP rs1555590457, ClinGen allele CA400482665.